The following is an entry in ClinVar:

ClinVar aggregate classification (germline): Uncertain significance (1 of 4 stars; one submission).

gnomAD v4.1: 1 of 1,582,520 alleles (0.000063%); highest among the groups gnomAD compares: Admixed American, 0.0019%; no homozygotes.

Submission:

Labcorp Genetics (formerly Invitae), Labcorp
Classification: Uncertain significance. Last evaluated: 2025-01-29. Review status: criteria provided, single submitter. Criteria: Invitae Variant Classification Sherloc (09022015). Collection method: clinical testing. Allele origin: germline.
Comment: This sequence change replaces lysine, which is basic and polar, with arginine, which is basic and polar, at codon 401 of the PRPF31 protein (p.Lys401Arg). The frequency data for this variant in the population databases is considered unreliable, as metrics indicate poor data quality at this position in the gnomAD database. This variant has not been reported in the literature in individuals affected with PRPF31-related conditions. An algorithm developed to predict the effect of missense changes on protein structure and function (PolyPhen-2) suggests that this variant is likely to be tolerated. In summary, the available evidence is currently insufficient to determine the role of this variant in disease. Therefore, it has been classified as a Variant of Uncertain Significance.

NM_015629.4(PRPF31):c.1202A>G (p.Lys401Arg)

Gene: PRPF31 (pre-mRNA processing factor 31; plus strand). Cytogenetic location: 19q13.42.
Variant type: single nucleotide variant.
Coding change: c.1202A>G on transcript NM_015629.4 (MANE Select); coding-DNA position 1202, A replaced by G.
Protein change: p.Lys401Arg; replaces lysine 401 with arginine.
Molecular consequence: missense variant.
Genome position (GRCh38, 1-based): chr19:54,129,112, A>G. VCF-style: chr19-54129112-A-G. GRCh37 (hg19) VCF-style: chr19-54632487-A-G.
Other names: short protein forms K401R.
Identifiers: ClinVar variation 3729792 (VCV003729792.2).